The following is an entry in ClinVar:

ClinVar aggregate classification (germline): Uncertain significance. Review status: criteria provided, multiple submitters, no conflicts (2 of 4 stars). 2 submissions from 2 submitters: Uncertain significance (2). Last evaluated 2025-06-07.

Conditions:
Congenital primary aphakia. Also called: Anterior segment dysgenesis 2, multiple subtypes; ANTERIOR SEGMENT DYSGENESIS 2. Identifiers: Orphanet 83461, MedGen C1853230, MONDO:0012456, OMIM 610256.
Anterior segment dysgenesis. Also called: Ocular anterior segment dysgenesis. Identifiers: Orphanet 88632, MedGen C1862839, MONDO:0019503, HP:0007700.
Cardiovascular phenotype. Identifiers: MedGen CN230736.

Submissions (2):

Ambry Genetics
Classification: Uncertain significance for Cardiovascular phenotype. Last evaluated: 2025-06-07. Review status: criteria provided, single submitter. Criteria: Ambry Variant Classification Scheme 2023. Collection method: clinical testing. Allele origin: germline.
Comment: The p.L296V variant (also known as c.886C>G), located in coding exon 1 of the FOXE3 gene, results from a C to G substitution at nucleotide position 886. The leucine at codon 296 is replaced by valine, an amino acid with highly similar properties. This amino acid position is conserved. In addition, this alteration is predicted to be tolerated by in silico analysis. Based on the available evidence, the clinical significance of this variant remains unclear.

Labcorp Genetics (formerly Invitae), Labcorp
Classification: Uncertain significance for Anterior segment dysgenesis; Congenital primary aphakia. Last evaluated: 2024-05-21. Review status: criteria provided, single submitter. Criteria: Invitae Variant Classification Sherloc (09022015). Collection method: clinical testing. Allele origin: germline.
Comment: This sequence change replaces leucine, which is neutral and non-polar, with valine, which is neutral and non-polar, at codon 296 of the FOXE3 protein (p.Leu296Val). This variant is not present in population databases (gnomAD no frequency). This variant has not been reported in the literature in individuals affected with FOXE3-related conditions. An algorithm developed to predict the effect of missense changes on protein structure and function (PolyPhen-2) suggests that this variant is likely to be tolerated. In summary, the available evidence is currently insufficient to determine the role of this variant in disease. Therefore, it has been classified as a Variant of Uncertain Significance.

NM_012186.3(FOXE3):c.886C>G (p.Leu296Val)

Genes: FOXE3 (forkhead box E3; plus strand), LINC01389 (long independently transcribed non-coding RNA 1389; minus strand). Cytogenetic location: 1p33.
Variant type: single nucleotide variant.
Coding change: c.886C>G on transcript NM_012186.3 (MANE Select); coding-DNA position 886, C replaced by G.
Protein change: p.Leu296Val; replaces leucine 296 with valine.
Molecular consequence: missense variant.
Genome position (GRCh38, 1-based): chr1:47,417,201, C>G. VCF-style: chr1-47417201-C-G. GRCh37 (hg19) VCF-style: chr1-47882873-C-G.
Other names: c.886C>G (NM_012186.2); short protein forms L296V.
Identifiers: ClinVar variation 3751906 (VCV003751906.3).